The following is an entry in ClinVar:

ClinVar aggregate classification (germline): Benign/Likely benign. Review status: criteria provided, multiple submitters, no conflicts (2 of 4 stars). 4 submissions from 4 submitters: Benign (1); Likely benign (3). Last evaluated 2025-08-18.

Conditions:
Classic or attenuated familial adenomatous polyposis. Identifiers: MedGen CN372698, MONDO:0021057.
Hereditary cancer-predisposing syndrome. Also called: Hereditary Cancer Syndrome; Neoplastic Syndromes, Hereditary; Tumor predisposition; Hereditary neoplastic syndrome. Identifiers: Orphanet 140162, MedGen C0027672, MeSH D009386, MONDO:0015356.
Familial adenomatous polyposis 1 (FAP1). Also called: FAMILIAL ADENOMATOUS POLYPOSIS 1, ATTENUATED; POLYPOSIS, ADENOMATOUS INTESTINAL. Identifiers: MedGen C2713442, MONDO:0021056, OMIM 175100. Disease mechanism: loss of function.

Submissions (4):

Labcorp Genetics (formerly Invitae), Labcorp
Classification: Likely benign for Familial adenomatous polyposis 1. Last evaluated: 2025-08-18. Review status: criteria provided, single submitter. Criteria: Invitae Variant Classification Sherloc (09022015). Collection method: clinical testing. Allele origin: germline.

Myriad Genetics, Inc.
Classification: Benign for Familial adenomatous polyposis 1. Last evaluated: 2024-03-06. Review status: criteria provided, single submitter. Criteria: Myriad Autosomal Dominant, Autosomal Recessive and X-Linked Classification Criteria (2023). Collection method: clinical testing. Allele origin: unknown.
Comment: This variant is considered benign. This variant is a silent/synonymous amino acid change and it is not expected to impact splicing.

All of Us Research Program, National Institutes of Health
Classification: Likely benign for Classic or attenuated familial adenomatous polyposis. Last evaluated: 2023-06-26. Review status: criteria provided, single submitter. Criteria: ACMG Guidelines, 2015. Collection method: clinical testing. Allele origin: germline. Inheritance: Autosomal dominant inheritance. Observed: 1 variant allele, 1 heterozygote.
Comment: This study involves interpretation of variants in research participants for the purpose of population health screening. Participant phenotype was not available at the time of variant classification. Additional details can be found in publication PMID: 35346344, PMCID: PMC8962531

Color Diagnostics, LLC DBA Color Health
Classification: Likely benign for Hereditary cancer-predisposing syndrome. Last evaluated: 2021-12-14. Review status: criteria provided, single submitter. Criteria: ACMG Guidelines, 2015. Collection method: clinical testing. Allele origin: germline.

NM_000038.6(APC):c.1642T>C (p.Leu548=)

Gene: APC (APC regulator of Wnt signaling pathway; plus strand). Cytogenetic location: 5q22.2.
Variant type: single nucleotide variant.
Coding change: c.1642T>C on transcript NM_000038.6 (MANE Select); coding-DNA position 1642, T replaced by C.
Protein change: p.Leu548=; no amino-acid change (leucine 548 retained).
Molecular consequence: synonymous variant.
Genome position (GRCh38, 1-based): chr5:112,828,871, T>C. VCF-style: chr5-112828871-T-C. GRCh37 (hg19) VCF-style: chr5-112164568-T-C.
Other names: c.1642T>C, p.Leu548= (NM_001127510.3, NM_001354895.2); c.1588T>C, p.Leu530= (NM_001127511.3); c.1696T>C, p.Leu566= (NM_001354896.2); c.1672T>C, p.Leu558= (NM_001354897.2); c.1567T>C, p.Leu523= (NM_001354898.2); c.1558T>C, p.Leu520= (NM_001354899.2); c.1519T>C, p.Leu507= (NM_001354900.2); c.1465T>C, p.Leu489= (NM_001354901.2); and 5 more.
Identifiers: ClinVar variation 1642983 (VCV001642983.12), dbSNP rs1060503373, ClinGen allele CA445757379.